The following is an entry in ClinVar:

ClinVar aggregate classification (germline): Likely benign (0 of 4 stars; one submission).

Conditions:
SDCCAG8-related disorder. Also called: SDCCAG8-Related Disorders; SDCCAG8-related condition.

gnomAD v4.1: 11 of 562,216 alleles (0.002%); highest among the groups gnomAD compares: Non-Finnish European, 0.0037%; no homozygotes.

Submission:

PreventionGenetics, part of Exact Sciences
Classification: Likely benign for SDCCAG8-related condition. Last evaluated: 2021-12-29. Review status: no assertion criteria provided. Collection method: clinical testing. Allele origin: germline.
Comment: This variant is classified as likely benign based on ACMG/AMP sequence variant interpretation guidelines (Richards et al. 2015 PMID: 25741868, with internal and published modifications).

NM_006642.5(SDCCAG8):c.675+279T>C

Gene: SDCCAG8 (SHH signaling and ciliogenesis regulator SDCCAG8; plus strand). Cytogenetic location: 1q43.
Variant type: single nucleotide variant.
Coding change: c.675+279T>C on transcript NM_006642.5 (MANE Select); 279 bases into the intron after coding-DNA position 675, T replaced by C.
Molecular consequence: intron variant.
Genome position (GRCh38, 1-based): chr1:243,293,498, T>C. VCF-style: chr1-243293498-T-C. GRCh37 (hg19) VCF-style: chr1-243456800-T-C.
Other names: c.381+279T>C (NM_001350249.2); c.-603+4T>C (NM_001350251.2); c.771+4T>C (NM_001350248.2); c.-438+279T>C (NM_001350246.2); c.-326+279T>C (NM_001350247.2).
Identifiers: ClinVar variation 3355380 (VCV003355380.1).